The following is an entry in ClinVar:

NM_006073.4(TRDN):c.1622A>G (p.His541Arg)

Gene: TRDN (triadin; minus strand). Cytogenetic location: 6q22.31.
Variant type: single nucleotide variant.
Coding change: c.1622A>G on transcript NM_006073.4 (MANE Select); coding-DNA position 1622, A replaced by G.
Protein change: p.His541Arg; replaces histidine 541 with arginine.
Molecular consequence: missense variant.
Genome position (GRCh38, 1-based): chr6:123,273,339, T>C on the plus strand (A>G on the coding strand, the complement: TRDN is on the minus strand). VCF-style: chr6-123273339-T-C. GRCh37 (hg19) VCF-style: chr6-123594484-T-C.
Other names: short protein forms H541R.
Identifiers: ClinVar variation 1043847 (VCV001043847.12), dbSNP rs919195476, ClinGen allele CA147231749.

ClinVar aggregate classification (germline): Conflicting classifications of pathogenicity. Review status: criteria provided, conflicting classifications (1 of 4 stars). 2 submissions from 2 submitters: Uncertain significance (1); Likely benign (1). Last evaluated 2024-06-05.

Conditions:
Catecholaminergic polymorphic ventricular tachycardia 1. Also called: VENTRICULAR TACHYCARDIA, CATECHOLAMINERGIC POLYMORPHIC, 1, WITH OR WITHOUT ATRIAL DYSFUNCTION AND/OR DILATED CARDIOMYOPATHY; VENTRICULAR TACHYCARDIA, STRESS-INDUCED POLYMORPHIC 1; RYR2-Related Catecholaminergic Polymorphic Ventricular Tachycardia. Identifiers: Orphanet 3286, MedGen C1631597, MONDO:0011484, OMIM 604772.
Cardiovascular phenotype. Identifiers: MedGen CN230736.

Allele frequency attached by ClinVar (database versions not stated): gnomAD exomes below 0.00001; gnomAD 0.00001; TOPMed 0.00002.
gnomAD v4.1: 3 of 1,062,668 alleles (0.00028%); highest among the groups gnomAD compares: African/African-American, 0.0051%; no homozygotes.

Submissions (2):

Ambry Genetics
Classification: Likely benign for Cardiovascular phenotype. Last evaluated: 2024-06-05. Review status: criteria provided, single submitter. Criteria: Ambry Variant Classification Scheme 2023. Collection method: clinical testing. Allele origin: germline.

Labcorp Genetics (formerly Invitae), Labcorp
Classification: Uncertain significance for Catecholaminergic polymorphic ventricular tachycardia 1. Last evaluated: 2022-03-22. Review status: criteria provided, single submitter. Criteria: Invitae Variant Classification Sherloc (09022015). Collection method: clinical testing. Allele origin: germline.
Comment: In summary, the available evidence is currently insufficient to determine the role of this variant in disease. Therefore, it has been classified as a Variant of Uncertain Significance. Algorithms developed to predict the effect of missense changes on protein structure and function output the following: SIFT: "Tolerated"; PolyPhen-2: "Benign"; Align-GVGD: "Class C0". The arginine amino acid residue is found in multiple mammalian species, which suggests that this missense change does not adversely affect protein function. ClinVar contains an entry for this variant (Variation ID: 1043847). This variant has not been reported in the literature in individuals affected with TRDN-related conditions. This variant is present in population databases (no rsID available, gnomAD 0.01%). This sequence change replaces histidine, which is basic and polar, with arginine, which is basic and polar, at codon 541 of the TRDN protein (p.His541Arg).